The following is an entry in ClinVar:

ClinVar aggregate classification (germline): Benign (0 of 4 stars; one submission).

Conditions:
DNMBP-related disorder. Also called: DNMBP-related condition.

Allele frequency attached by ClinVar (database versions not stated): TOPMed 0.02963; gnomAD 0.03187; ESP Exome Variant Server 0.03260; 1000 Genomes Project 30x 0.03513; ExAC 0.03649; 1000 Genomes Project 0.03694.
gnomAD v4.1: 58,668 of 1,614,182 alleles (3.6%); highest among the groups gnomAD compares: South Asian, 8.9%; 1,351 homozygotes.

Submission:

PreventionGenetics, part of Exact Sciences
Classification: Benign for DNMBP-related condition. Last evaluated: 2019-04-05. Review status: no assertion criteria provided. Collection method: clinical testing. Allele origin: germline.
Comment: This variant is classified as benign based on ACMG/AMP sequence variant interpretation guidelines (Richards et al. 2015 PMID: 25741868, with internal and published modifications).

NM_015221.4(DNMBP):c.4434C>T (p.Ser1478=)

Gene: DNMBP (dynamin binding protein; minus strand). Cytogenetic location: 10q24.2.
Variant type: single nucleotide variant.
Coding change: c.4434C>T on transcript NM_015221.4 (MANE Select); coding-DNA position 4434, C replaced by T.
Protein change: p.Ser1478=; no amino-acid change (serine 1478 retained).
Molecular consequence: synonymous variant.
Genome position (GRCh38, 1-based): chr10:99,879,925, G>A on the plus strand (C>T on the coding strand, the complement: DNMBP is on the minus strand). VCF-style: chr10-99879925-G-A. GRCh37 (hg19) VCF-style: chr10-101639682-G-A.
Other names: c.3330C>T, p.Ser1110= (NM_001318326.2); c.2172C>T, p.Ser724= (NM_001318327.2).
Identifiers: ClinVar variation 3060443 (VCV003060443.2), dbSNP rs61757225, ClinGen allele CA5644297.